The following is an entry in ClinVar:

ClinVar aggregate classification (germline): Uncertain significance. Review status: criteria provided, multiple submitters, no conflicts (2 of 4 stars). 6 submissions from 5 submitters: Uncertain significance (6). Last evaluated 2026-05-24.

Conditions:
FGA-related disorder. Also called: FGA-related condition; FGA-related disorders.
Familial dysfibrinogenemia. Also called: Dysfibrinogenemia, congenital. Identifiers: Orphanet 335, Orphanet 98881, MedGen C0272350, MONDO:0014452, OMIM 616004.
Congenital afibrinogenemia. Identifiers: Orphanet 335, Orphanet 98880, MedGen C2584774, MONDO:0008737, OMIM 202400.
Familial visceral amyloidosis, Ostertag type (AMYLD2). Also called: AMYLOIDOSIS, HEREDITARY SYSTEMIC 2; Hereditary Renal Amyloidosis; Familial visceral amyloidosis; Amyloidosis, hepatic and systemic; Ostertag type amyloidosis; AMYLOIDOSIS VIII. Identifiers: Orphanet 85450, MedGen C0268389, MONDO:0007099, OMIM 105200.

Allele frequency attached by ClinVar (database versions not stated): gnomAD 0.00004; TOPMed 0.00003.
gnomAD v4.1: 33 of 1,613,484 alleles (0.002%); highest among the groups gnomAD compares: Middle Eastern, 0.016%; no homozygotes.

Submissions (6):

PreventionGenetics, part of Exact Sciences
Classification: Uncertain significance for FGA-related condition. Last evaluated: 2026-05-24. Review status: criteria provided, single submitter. Criteria: ACMG Guidelines, 2015. Collection method: clinical testing. Allele origin: germline.
Comment: The FGA c.923G>A variant is predicted to result in the amino acid substitution p.Arg308Gln. To our knowledge, this variant has not been reported in the literature. This variant is reported in 0.0054% of alleles in individuals of East Asian descent in gnomAD. At this time, the clinical significance of this variant is uncertain due to the absence of conclusive functional and genetic evidence.

Fulgent Genetics
Classification: Uncertain significance for Familial visceral amyloidosis, Ostertag type; Congenital afibrinogenemia; Familial dysfibrinogenemia. Last evaluated: 2022-03-25. Review status: criteria provided, single submitter. Criteria: ACMG Guidelines, 2015. Collection method: clinical testing. Allele origin: unknown.

Genetic Services Laboratory, University of Chicago
Classification: Uncertain significance. Last evaluated: 2021-04-08. Review status: criteria provided, single submitter. Criteria: ACMG Guidelines, 2015. Collection method: clinical testing. Allele origin: germline. Affected: no.

Illumina Laboratory Services, Illumina
Classification: Uncertain significance for Congenital afibrinogenemia. Last evaluated: 2017-04-28. Review status: criteria provided, single submitter. Criteria: ICSL Variant Classification Criteria 13 December 2019. Collection method: clinical testing. Allele origin: germline.

Illumina Laboratory Services, Illumina
Classification: Uncertain significance for Familial visceral amyloidosis, Ostertag type. Last evaluated: 2017-04-28. Review status: criteria provided, single submitter. Criteria: ICSL Variant Classification Criteria 13 December 2019. Collection method: clinical testing. Allele origin: germline.

Center for Pediatric Genomic Medicine, Children's Mercy Hospital and Clinics
Classification: Uncertain significance. Last evaluated: 2015-06-02. Review status: criteria provided, single submitter. Criteria: ACMG Guidelines, 2015. Collection method: clinical testing. Allele origin: germline.
ClinVar note: Converted during submission from Uncertain Significance to Uncertain significance.

NM_021871.4(FGA):c.923G>A (p.Arg308Gln)

Gene: FGA (fibrinogen alpha chain; minus strand). Cytogenetic location: 4q31.3.
Variant type: single nucleotide variant.
Coding change: c.923G>A on transcript NM_021871.4 (MANE Select); coding-DNA position 923, G replaced by A.
Protein change: p.Arg308Gln; replaces arginine 308 with glutamine.
Molecular consequence: missense variant.
Genome position (GRCh38, 1-based): chr4:154,586,506, C>T on the plus strand (G>A on the coding strand, the complement: FGA is on the minus strand). VCF-style: chr4-154586506-C-T. GRCh37 (hg19) VCF-style: chr4-155507658-C-T.
Other names: c.923G>A, p.Arg308Gln (NM_000508.5); c.923G>A (NM_000508.4); short protein forms R308Q.
Identifiers: ClinVar variation 235573 (VCV000235573.12), dbSNP rs760992799, ClinGen allele CA3115191.